The following is an entry in ClinVar:

ClinVar aggregate classification (germline): Uncertain significance (1 of 4 stars; one submission).

Conditions:
Familial thoracic aortic aneurysm and aortic dissection (TAAD). Also called: Thoracic aortic aneurysms and dissections. Identifiers: Orphanet 91387, MedGen C4707243, MONDO:0019625.

Submission:

Ambry Genetics
Classification: Uncertain significance for Familial thoracic aortic aneurysm and aortic dissection. Last evaluated: 2026-04-20. Review status: criteria provided, single submitter. Criteria: Ambry Variant Classification Scheme 2023. Collection method: clinical testing. Allele origin: germline.
Comment: The p.A1315V variant (also known as c.3944C>T), located in coding exon 28 of the MED12 gene, results from a C to T substitution at nucleotide position 3944. The alanine at codon 1315 is replaced by valine, an amino acid with similar properties. This amino acid position is conserved. In addition, this alteration is predicted to be tolerated by in silico analysis. Based on the available evidence, the clinical significance of this variant remains unclear.

NM_005120.3(MED12):c.3944C>T (p.Ala1315Val)

Gene: MED12 (mediator complex subunit 12; plus strand). Cytogenetic location: Xq13.1.
Variant type: single nucleotide variant.
Coding change: c.3944C>T on transcript NM_005120.3 (MANE Select); coding-DNA position 3944, C replaced by T.
Protein change: p.Ala1315Val; replaces alanine 1315 with valine.
Molecular consequence: missense variant.
Genome position (GRCh38, 1-based): chrX:71,130,111, C>T. VCF-style: chrX-71130111-C-T. GRCh37 (hg19) VCF-style: chrX-70349961-C-T.
Other names: short protein forms A1315V.
Identifiers: ClinVar variation 4859832 (VCV004859832.1).
Genomic context (GRCh38, chrX:71,130,111, plus strand): 5'-GTTGCCTTAAGTCTCTGTGTGAGGACAGCAATGACCTGCAAGACCCAGTGTTGAGTAGTG[C>T]CCAGGCGCAGCGCCTCATGCAGCTCATTTGCTATCCACATCGACTGCTGGACAATGAGGA-3'
Protein context (NP_005111.2, residues 1305-1325): NDLQDPVLSS[Ala1315Val]QAQRLMQLIC